The following is an entry in ClinVar:

ClinVar aggregate classification (germline): Likely benign (0 of 4 stars; one submission).

Conditions:
BDNF-related disorder. Also called: BDNF-related condition.

Submission:

PreventionGenetics, part of Exact Sciences
Classification: Likely benign for BDNF-related condition. Last evaluated: 2024-03-29. Review status: no assertion criteria provided. Collection method: clinical testing. Allele origin: germline.
Comment: This variant is classified as likely benign based on ACMG/AMP sequence variant interpretation guidelines (Richards et al. 2015 PMID: 25741868, with internal and published modifications).

NM_001709.5(BDNF):c.633C>A (p.Thr211=)

Genes: BDNF (brain derived neurotrophic factor; minus strand), BDNF-AS (BDNF antisense RNA; plus strand). Cytogenetic location: 11p14.1.
Variant type: single nucleotide variant.
Coding change: c.633C>A on transcript NM_001709.5 (MANE Select); coding-DNA position 633, C replaced by A.
Protein change: p.Thr211=; no amino-acid change (threonine 211 retained).
Molecular consequence: synonymous variant.
Genome position (GRCh38, 1-based): chr11:27,657,932, G>T on the plus strand (C>A on the coding strand, the complement: BDNF is on the minus strand). VCF-style: chr11-27657932-G-T. GRCh37 (hg19) VCF-style: chr11-27679479-G-T.
Other names: c.633C>A, p.Thr211= (NM_001143805.1, NM_001143806.1, NM_001143807.2 and 9 more transcripts); c.720C>A, p.Thr240= (NM_001143809.2); c.879C>A, p.Thr293= (NM_001143810.2); c.657C>A, p.Thr219= (NM_170731.5); c.678C>A, p.Thr226= (NM_170734.4).
Identifiers: ClinVar variation 3345060 (VCV003345060.1).